The following is an entry in ClinVar:

ClinVar aggregate classification (germline): Uncertain significance (1 of 4 stars; one submission).

Conditions:
Ehlers-Danlos syndrome, classic type, 1 (EDSCL1). Also called: Ehlers-Danlos Syndrome, Classic Type, COL5A1-Related; EHLERS-DANLOS SYNDROME, GRAVIS TYPE; EHLERS-DANLOS SYNDROME, SEVERE CLASSIC TYPE; Ehlers-Danlos syndrome, type 1; EDS I. Identifiers: MedGen C0268335, MONDO:0019567, OMIM 130000.
Osteogenesis imperfecta type I (OI1). Also called: OI, TYPE I; OSTEOGENESIS IMPERFECTA TARDA; OSTEOGENESIS IMPERFECTA WITH BLUE SCLERAE; Osteogenesis imperfecta type 1; Classic Non-deforming Osteogenesis Imperfecta with Blue Sclerae; Lobstein's Disease. Identifiers: Orphanet 216796, Orphanet 666, MedGen C0023931, MONDO:0008146, OMIM 166200. Disease mechanism: loss of function.

Submission:

Labcorp Genetics (formerly Invitae), Labcorp
Classification: Uncertain significance for Osteogenesis imperfecta type I; Ehlers-Danlos syndrome, classic type, 1. Last evaluated: 2025-11-21. Review status: criteria provided, single submitter. Criteria: Invitae Variant Classification Sherloc (09022015). Collection method: clinical testing. Allele origin: germline.
Comment: This sequence change falls in intron 39 of the COL1A2 gene. It does not directly change the encoded amino acid sequence of the COL1A2 protein. This variant is present in population databases (rs769478947, gnomAD 0.002%). This variant has not been reported in the literature in individuals affected with COL1A2-related conditions. ClinVar contains an entry for this variant (Variation ID: 2130316). Algorithms developed to predict the effect of sequence changes on RNA splicing suggest that this variant may disrupt the consensus splice site. In summary, the available evidence is currently insufficient to determine the role of this variant in disease. Therefore, it has been classified as a Variant of Uncertain Significance.

NM_000089.4(COL1A2):c.2404-17del

Gene: COL1A2 (collagen type I alpha 2 chain; plus strand). Cytogenetic location: 7q21.3.
Variant type: Deletion.
Coding change: c.2404-17del on transcript NM_000089.4 (MANE Select); 17 bases into the intron before coding-DNA position 2404, one base deleted (T; older notation c.2404-17delT).
Molecular consequence: intron variant.
Genome position (GRCh38, 1-based): chr7:94,422,940, T deleted; the last of 2 consecutive T bases (chr7:94,422,939-94,422,940); deleting either gives the same sequence. VCF-style (leftmost placement, unchanged base first): chr7-94422938-CT-C. GRCh37 (hg19) VCF-style: chr7-94052250-CT-C.
Identifiers: ClinVar variation 2130316 (VCV002130316.4), dbSNP rs769478947, ClinGen allele CA4347444.